The following is an entry in ClinVar:

NM_001042492.3(NF1):c.1748A>G (p.Lys583Arg)

Gene: NF1 (neurofibromin 1; plus strand). Cytogenetic location: 17q11.2.
Variant type: single nucleotide variant.
Coding change: c.1748A>G on transcript NM_001042492.3 (MANE Select); coding-DNA position 1748, A replaced by G.
Protein change: p.Lys583Arg; replaces lysine 583 with arginine.
Molecular consequence: missense variant.
Genome position (GRCh38, 1-based): chr17:31,223,470, A>G. VCF-style: chr17-31223470-A-G. GRCh37 (hg19) VCF-style: chr17-29550488-A-G.
Other names: c.1748A>G, p.Lys583Arg (NM_000267.4); short protein forms K583R.
Identifiers: ClinVar variation 68306 (VCV000068306.33), dbSNP rs199474760, ClinGen allele CA219413.

ClinVar aggregate classification (germline): Pathogenic/Likely pathogenic. Review status: criteria provided, multiple submitters, no conflicts (2 of 4 stars). 17 submissions from 17 submitters: Pathogenic (13); Likely pathogenic (3). 1 of the submissions does not count toward it. Last evaluated 2026-07-24.

Conditions:
NF1-related disorder. Also called: NF1-related condition. Identifiers: MedGen CN379171.
Hereditary cancer-predisposing syndrome. Also called: Hereditary Cancer Syndrome; Tumor predisposition; Neoplastic Syndromes, Hereditary; Hereditary neoplastic syndrome. Identifiers: Orphanet 140162, MedGen C0027672, MeSH D009386, MONDO:0015356.
Cardiovascular phenotype. Identifiers: MedGen CN230736.
Neurofibromatosis, type 1 (NF1). Also called: NEUROFIBROMATOSIS, TYPE I, SOMATIC; Peripheral type neurofibromatosis; Neurofibromatosis, type I; VON RECKLINGHAUSEN DISEASE. Identifiers: Orphanet 636, MedGen C0027831, MONDO:0018975, OMIM 162200. Disease mechanism: loss of function.
Café-au-lait macules with pulmonary stenosis (WTSN). Also called: PULMONIC STENOSIS WITH CAFE-AU-LAIT SPOTS. Identifiers: MedGen C0553586, MONDO:0008672, OMIM 193520.

Allele frequency attached by ClinVar (database versions not stated): gnomAD exomes below 0.00001.
gnomAD v4.1: 1 of 1,612,950 alleles (0.000062%); highest among the groups gnomAD compares: Non-Finnish European, 0.000085%; no homozygotes.

Submissions (17):

PreventionGenetics, part of Exact Sciences
Classification: Pathogenic for NF1-related condition. Last evaluated: 2026-07-24. Review status: criteria provided, single submitter. Criteria: ACMG Guidelines, 2015. Collection method: clinical testing. Allele origin: germline.
Comment: The NF1 c.1748A>G variant is predicted to result in the amino acid substitution p.Lys583Arg. This variant has been reported in individuals with clinical features consistent with neurofibromatosis 1 (Fahsold et al. 2000. PubMed ID: 10712197; Brinckmann et al. 2007. PubMed ID: 18041031; Tsipi et al. 2018. PubMed ID: 30308447; Giugliano et al. 2019. PubMed ID: 31370276; Evans et al. 2016. PubMed ID: 27322474; Bendova et al. 2007. PubMed ID: 17726231). This variant has not been reported in a large population database (gnomAD), indicating it is rare and is classified as likely pathogenic or pathogenic in ClinVar (Variation ID: 68306). Experimental studies suggest this variant results in the activation of a cryptic splice site in exon 16, which disrupts normal RNA splicing (Brinckmann et al. 2007. PubMed ID: 18041031; Evans et al. 2016. PubMed ID: 27322474). Based on this information, we classify this variant as pathogenic.

3billion
Classification: Pathogenic for Neurofibromatosis, type 1. Last evaluated: 2025-11-12. Review status: criteria provided, single submitter. Criteria: ACMG Guidelines, 2015. Collection method: clinical testing. Allele origin: germline. Affected: yes.
Comment: The variant is observed at an extremely low frequency in the gnomAD v4.1.0 dataset (total allele frequency: <0.001%). Predicted Consequence/Location: Missense variant: previously reported to alter splicing and result in a loss of normal protein function through nonsense-mediated decay (NMD) or protein truncation (PMID: 27322474). In silico tools predict the variant to alter splicing and produce an abnormal transcript [SpliceAI: 0.95 (spliceogenicity >=0.2, non-spliceogenicity <0.1)]. Missense variant: previously reported to alter splicing and result in a loss of normal protein function through nonsense-mediated decay (NMD) or protein truncation (PMID: 27322474). Therefore, this variant is classified as Pathogenic according to the recommendation of ACMG/AMP guideline.

Labcorp Genetics (formerly Invitae), Labcorp
Classification: Pathogenic for Neurofibromatosis, type 1. Last evaluated: 2025-08-24. Review status: criteria provided, single submitter. Criteria: Invitae Variant Classification Sherloc (09022015). Collection method: clinical testing. Allele origin: germline.
Comment: This sequence change replaces lysine, which is basic and polar, with arginine, which is basic and polar, at codon 583 of the NF1 protein (p.Lys583Arg). RNA analysis indicates that this missense change induces altered splicing and likely results in the loss of 9 amino acid residue(s), but is expected to preserve the integrity of the reading-frame. This variant is not present in population databases (gnomAD no frequency). This missense change has been observed in individual(s) with neurofibromatosis type 1 (PMID: 10712197, 16944272, 17726231, 18041031, 21354044, 27074763, 27322474, 31370276). Invitae Evidence Modeling of clinical and family history, age, sex, and reported ancestry of multiple individuals with this NF1 variant has been performed. This variant is expected to be pathogenic with a positive predictive value of at least 99%. This is a validated machine learning model that incorporates the clinical features of 1,785,918 individuals referred to our laboratory for NF1 testing. ClinVar contains an entry for this variant (Variation ID: 68306). Invitae Evidence Modeling of protein sequence and biophysical properties (such as structural, functional, and spatial information, amino acid conservation, physicochemical variation, residue mobility, and thermodynamic stability) indicates that this missense variant is not expected to disrupt NF1 protein function with a negative predictive value of 95%. Studies have shown that this missense change results in the activation of a cryptic splice site in exon 16 (PMID: 18041031, 27322474; internal data). This variant disrupts a region of the NF1 protein in which other variant(s) (p.Leu578Pro) have been determined to be pathogenic (PMID: 12746402, 16479075, 17426081, 23668869, 25211147). This suggests that this is a clinically significant region of the protein, and that variants that disrupt it are likely to be disease-causing. For these reasons, this variant has been classified as Pathogenic.

St. Jude Molecular Pathology, St. Jude Children's Research Hospital
Classification: Pathogenic for Neurofibromatosis, type 1. Last evaluated: 2024-12-31. Review status: criteria provided, single submitter. Criteria: St. Jude Assertion Criteria 2020. Collection method: clinical testing. Allele origin: germline.
Comment: The NF1 c.1748A>G (p.Lys583Arg) missense change is absent in gnomAD v2.1.1. The in silico tool REVEL predicts a benign effect on protein function, but to our knowledge this prediction has not been confirmed by functional studies. Algorithms that predict the impact of sequence changes on splicing indicate that this change likely impacts splicing, and RNA studies support that this missense change results in the use of a cryptic splice site and the loss of 27 base pairs (PMID: 18041031, 21354044, 27322474). This variant has been reported in multiple individuals with Neurofibromatosis Type 1 and was reported to be de novo in at least one individual (PMID: 10712197, 16944272, 17726231, 18041031, 21354044, 30308447, 31370276, 34418705, internal data). In summary, this variant meets criteria to be classified as pathogenic.

Dubai Health Genomic Medicine Center, Dubai Health
Classification: Pathogenic for Watson syndrome. Last evaluated: 2024-10-04. Review status: criteria provided, single submitter. Criteria: ACMG Guidelines, 2015. Collection method: research. Allele origin: germline. Affected: yes.
Comment: PS4, PM1, PM2, PM5, PP4

Institute of Human Genetics, University of Leipzig Medical Center
Classification: Likely pathogenic for Neurofibromatosis, type 1. Last evaluated: 2024-03-18. Review status: criteria provided, single submitter. Criteria: ACMG Guidelines, 2015. Collection method: clinical testing. Allele origin: unknown. Inheritance: Autosomal dominant inheritance. Affected: yes.
Comment: Criteria applied: PS3,PS4_MOD,PM4,PM2_SUP

Ambry Genetics
Classification: Pathogenic for Cardiovascular phenotype; Hereditary cancer-predisposing syndrome. Last evaluated: 2024-02-06. Review status: criteria provided, single submitter. Criteria: Ambry Variant Classification Scheme 2023. Collection method: clinical testing. Allele origin: germline.
Comment: The p.K583R pathogenic mutation (also known as c.1748A>G), located in coding exon 16 of the NF1 gene, results from an A to G substitution at nucleotide position 1748. The lysine at codon 583 is replaced by arginine, an amino acid with highly similar properties. This alteration has been reported de novo in an individual with features of neurofibromatosis type 1 (Tsipi M et al. J. Neurol. Sci., 2018 12;395:95-105). This variant has also been identified in multiple individuals meeting diagnostic criteria for NF1 and has been shown to result in abnormal splicing (Fahsold R et al. Am. J. Hum. Genet., 2000 Mar;66:790-818; Brinckmann A et al. Electrophoresis, 2007 Dec;28:4295-301; Bendova S et al. J. Mol. Neurosci., 2007;31:273-9; Evans DG et al. EBioMedicine, 2016 May;7:212-20). Based on the available evidence, this variant is classified as a pathogenic mutation.

Institute of Medical Genetics and Applied Genomics, University Hospital Tübingen
Classification: Pathogenic for Neurofibromatosis, type 1. Last evaluated: 2024-01-17. Review status: criteria provided, single submitter. Criteria: ACMG Guidelines, 2015. Collection method: clinical testing. Allele origin: germline. Inheritance: Autosomal dominant inheritance. Affected: yes.

GeneDx
Classification: Pathogenic. Last evaluated: 2023-09-05. Review status: criteria provided, single submitter. Criteria: GeneDx Variant Classification Process June 2021. Collection method: clinical testing. Allele origin: germline. Affected: yes.
Comment: RNA studies indicate this variant leads to the creation of a cryptic splice site and the loss of 27 base pairs (Brinckmann et al., 2007; Valero et al., 2011, Evans et al., 2016) within the critical GTPase activating protein domain (Luo et al., 2014); Not observed at significant frequency in large population cohorts (gnomAD); This variant is associated with the following publications: (PMID: 22155606, 16944272, 24803665, 17726231, 28068329, 10712197, 18041031, 27322474, 27074763, 25541118, 21354044, 30308447, 31370276, 34418705, 34308104, 25486365)

Laboratory of Medical Genetics, National & Kapodistrian University of Athens
Classification: Pathogenic for Neurofibromatosis, type 1. Last evaluated: 2023-05-24. Review status: criteria provided, single submitter. Criteria: ACMG Guidelines, 2015. Collection method: clinical testing. Allele origin: germline. Affected: yes.
Comment: PS4, PM1, PM2, PM5, PP5

MGZ Medical Genetics Center
Classification: Pathogenic for Neurofibromatosis, type 1. Last evaluated: 2022-05-02. Review status: criteria provided, single submitter. Criteria: ACMG Guidelines, 2015. Collection method: clinical testing. Allele origin: germline. Affected: yes. Observed: 1 variant allele.
Comment: ACMG criteria applied: PS3, PS4_MOD, PM6, PM2_SUP, PP2, PP4

Genome-Nilou Lab
Classification: Likely pathogenic for Neurofibromatosis, type 1. Last evaluated: 2022-03-15. Review status: criteria provided, single submitter. Criteria: ACMG Guidelines, 2015. Collection method: clinical testing. Allele origin: germline. Affected: no.

Genome Diagnostics Laboratory, The Hospital for Sick Children
Classification: Pathogenic for Neurofibromatosis, type 1. Last evaluated: 2020-10-26. Review status: criteria provided, single submitter. Criteria: ACMG Guidelines, 2015. Collection method: clinical testing. Allele origin: germline. Affected: yes.

Blueprint Genetics
Classification: Pathogenic for NF1-related disorders. Last evaluated: 2019-06-18. Review status: criteria provided, single submitter. Criteria: ACMG Guidelines, 2015. Collection method: clinical testing. Allele origin: germline. Affected: yes. Observed: 1 variant allele.

ARUP Laboratories, Molecular Genetics and Genomics, ARUP Laboratories
Classification: Likely pathogenic. Last evaluated: 2017-08-23. Review status: criteria provided, single submitter. Criteria: ARUP Molecular Germline Variant Investigation Process. Collection method: clinical testing. Allele origin: germline.

Center for Human Genetics, Inc
Classification: Pathogenic for Neurofibromatosis, type 1. Last evaluated: 2016-11-01. Review status: criteria provided, single submitter. Criteria: ACMG Guidelines, 2015. Collection method: clinical testing. Allele origin: germline. Affected: yes.

UniProtKB/Swiss-Prot
No classification provided. Review status: no classification provided. Collection method: not provided. Allele origin: not provided. Not counted in ClinVar's aggregate classification.

Literature cited by the submitters: PubMed 27322474 (cited by 3billion and Labcorp Genetics (formerly Invitae), Labcorp); PubMed 22155606 (cited by 3billion); PubMed 30308447 (cited by 3billion); PubMed 10712197 (cited by Labcorp Genetics (formerly Invitae), Labcorp); PubMed 16944272 (cited by Labcorp Genetics (formerly Invitae), Labcorp); PubMed 17726231 (cited by Labcorp Genetics (formerly Invitae), Labcorp); PubMed 18041031 (cited by Labcorp Genetics (formerly Invitae), Labcorp); PubMed 21354044 (cited by Labcorp Genetics (formerly Invitae), Labcorp); PubMed 27074763 (cited by Labcorp Genetics (formerly Invitae), Labcorp); PubMed 31370276 (cited by Labcorp Genetics (formerly Invitae), Labcorp); PubMed 12746402 (cited by Labcorp Genetics (formerly Invitae), Labcorp); PubMed 16479075 (cited by Labcorp Genetics (formerly Invitae), Labcorp); PubMed 17426081 (cited by Labcorp Genetics (formerly Invitae), Labcorp); PubMed 23668869 (cited by Labcorp Genetics (formerly Invitae), Labcorp); PubMed 25211147 (cited by Labcorp Genetics (formerly Invitae), Labcorp).